The following is an entry in ClinVar:

ClinVar aggregate classification (germline): Pathogenic/Likely pathogenic. Review status: criteria provided, multiple submitters, no conflicts (2 of 4 stars). 8 submissions from 8 submitters: Pathogenic (4); Likely pathogenic (3). 1 of the submissions does not count toward it. Last evaluated 2025-06-23.

Conditions:
SLC26A4-related disorder. Also called: SLC26A4-related disorders; SLC26A4-related condition.
Rare genetic deafness. Identifiers: Orphanet 96210, MedGen C5680250.
Pendred syndrome (PDS). Also called: Pendred's syndrome; THYROID DYSHORMONOGENESIS 2B; THYROID HORMONOGENESIS, GENETIC DEFECT IN, 2B; Pendred Syndrome (PDS); DEAFNESS WITH GOITER; GOITER-DEAFNESS SYNDROME. Identifiers: Orphanet 705, MedGen C0271829, MONDO:0010134, OMIM 274600.
Autosomal recessive nonsyndromic hearing loss 4 (DFNB4). Also called: Deafness, autosomal recessive 4, with enlarged vestibular aqueduct; Enlarged vestibular aqueduct, digenic; Nonsyndromic enlarged vestibular aqueduct (NSEVA); FOXI1-Related Pendred Syndrome; KCNJ10-Related Pendred Syndrome; DEAFNESS, AUTOSOMAL RECESSIVE 4, WITH ENLARGED VESTIBULAR AQUEDUCT, DIGENIC. Identifiers: Orphanet 90636, MedGen C3538946, MONDO:0010933, OMIM 600791.

Submissions (8):

PreventionGenetics, part of Exact Sciences
Classification: Likely pathogenic for SLC26A4-related condition. Last evaluated: 2025-06-23. Review status: criteria provided, single submitter. Criteria: ACMG Guidelines, 2015. Collection method: clinical testing. Allele origin: germline.
Comment: The SLC26A4 c.294_298del5 variant is predicted to result in a frameshift and premature protein termination (p.Thr99Alafs*81). To our knowledge, this variant has not been reported in the literature or a large population database (gnomAD), indicating this variant is rare. Frameshift variants in SLC26A4 are expected to be pathogenic. This variant is interpreted as likely pathogenic.

Natera, Inc.
Classification: Likely pathogenic for Pendred syndrome. Last evaluated: 2024-09-08. Review status: criteria provided, single submitter. Criteria: Natera Variant Classification Schema (03/2026). Collection method: clinical testing. Allele origin: germline.
Comment: The c.294_298delCACGC variant in SLC26A4 is a frameshift variant predicted to shift the reading frame beginning at codon 99 and leads to a stop codon 81 codons downstream. This variant is expected to result in nonsense mediated decay, truncation, or a dysfunctional protein product. This variant is rare in the general population with a frequency below the threshold expected for the associated phenotype(s). Given the available evidence, this variant is classified as Likely Pathogenic.

Fulgent Genetics
Classification: Likely pathogenic for Pendred syndrome; Autosomal recessive nonsyndromic hearing loss 4. Last evaluated: 2024-04-22. Review status: criteria provided, single submitter. Criteria: ACMG Guidelines, 2015. Collection method: clinical testing. Allele origin: germline.

Labcorp Genetics (formerly Invitae), Labcorp
Classification: Pathogenic. Last evaluated: 2023-08-27. Review status: criteria provided, single submitter. Criteria: Invitae Variant Classification Sherloc (09022015). Collection method: clinical testing. Allele origin: germline.
Comment: This sequence change creates a premature translational stop signal (p.Thr99Alafs*81) in the SLC26A4 gene. It is expected to result in an absent or disrupted protein product. Loss-of-function variants in SLC26A4 are known to be pathogenic (PMID: 16283880, 25394566, 26252218, 26445815). This variant is not present in population databases (gnomAD no frequency). This variant has not been reported in the literature in individuals affected with SLC26A4-related conditions. ClinVar contains an entry for this variant (Variation ID: 43551). For these reasons, this variant has been classified as Pathogenic.

Baylor Genetics
Classification: Pathogenic for Autosomal recessive nonsyndromic hearing loss 4. Last evaluated: 2023-05-29. Review status: criteria provided, single submitter. Criteria: ACMG Guidelines, 2015. Collection method: clinical testing. Allele origin: unknown.

Revvity Omics, Revvity
Classification: Pathogenic. Last evaluated: 2019-08-27. Review status: criteria provided, single submitter. Criteria: ACMG Guidelines, 2015. Collection method: clinical testing. Allele origin: germline.

Laboratory for Molecular Medicine, Mass General Brigham Personalized Medicine
Classification: Pathogenic for Rare genetic deafness. Last evaluated: 2015-11-08. Review status: criteria provided, single submitter. Criteria: LMM Criteria. Collection method: clinical testing. Allele origin: germline. Inheritance: Autosomal recessive inheritance. Observed: 2 variant alleles.
Comment: The 294_298delCACGC variant is predicted to cause a frameshift, which alters th e protein?s amino acid sequence beginning at position 99 and leads to a prematur e termination codon 81 amino acids downstream. This alteration is then predicted to lead to a truncated or absent protein.

Counsyl
Classification: Likely pathogenic for Pendred syndrome. Last evaluated: 2016-11-04. Review status: no assertion criteria provided. Collection method: clinical testing. Allele origin: unknown. Not counted in ClinVar's aggregate classification.

Literature cited by the submitters: PubMed 16283880 (cited by Labcorp Genetics (formerly Invitae), Labcorp); PubMed 25394566 (cited by Labcorp Genetics (formerly Invitae), Labcorp); PubMed 26252218 (cited by Labcorp Genetics (formerly Invitae), Labcorp); PubMed 26445815 (cited by Labcorp Genetics (formerly Invitae), Labcorp).

NM_000441.2(SLC26A4):c.294_298del (p.Thr99fs)

Gene: SLC26A4 (solute carrier family 26 member 4; plus strand). Cytogenetic location: 7q22.3.
Variant type: Deletion.
Coding change: c.294_298del on transcript NM_000441.2 (MANE Select); coding-DNA positions 294 to 298, 5 bases deleted (CACGC; older notation c.294_298delCACGC).
Protein change: p.Thr99fs; shifts the reading frame from threonine 99.
Molecular consequence: frameshift variant.
Genome position (GRCh38, 1-based): chr7:107,663,425-107,663,429, CACGC deleted; deleting any 5 consecutive bases within chr7:107,663,423-107,663,429 gives the same sequence; the c. name uses the placement nearest the transcript's 3' end. VCF-style (leftmost placement, unchanged base first): chr7-107663422-GGCCAC-G. GRCh37 (hg19) VCF-style: chr7-107303867-GGCCAC-G.
Other names: c.292_296del (NM_000441.2); short protein forms T99fs.
Identifiers: ClinVar variation 43551 (VCV000043551.20), dbSNP rs111033241, ClinGen allele CA261429.